The following is an entry in ClinVar:

NM_177438.3(DICER1):c.1712G>T (p.Ser571Ile)

Gene: DICER1 (dicer 1, ribonuclease III; minus strand). Cytogenetic location: 14q32.13.
Variant type: single nucleotide variant.
Coding change: c.1712G>T on transcript NM_177438.3 (MANE Select); coding-DNA position 1712, G replaced by T.
Protein change: p.Ser571Ile; replaces serine 571 with isoleucine.
Molecular consequence: missense variant.
Genome position (GRCh38, 1-based): chr14:95,116,493, C>A on the plus strand (G>T on the coding strand, the complement: DICER1 is on the minus strand). VCF-style: chr14-95116493-C-A. GRCh37 (hg19) VCF-style: chr14-95582830-C-A.
Other names: c.1712G>T, p.Ser571Ile (NM_001195573.1, NM_001271282.3, NM_001291628.2 and 1 more transcripts); short protein forms S571I.
Identifiers: ClinVar variation 1039503 (VCV001039503.10), dbSNP rs1892481172, ClinGen allele CA390884734.
Genomic context (GRCh38, chr14:95,116,493, plus strand): 5'-TGTTAATATGTTGATCTTACCTTTTCAATAGCTTTGTAGGTTTTAAGGTCTTCTTCAAAA[C>A]TTTTTATTTTGTCTGTATCCGCTAACATTATATAATTAGAGATGGGTGCCCTTGCTCTTC-3'
Protein context (NP_803187.1, residues 561-581): IMLADTDKIK[Ser571Ile]FEEDLKTYKA

ClinVar aggregate classification (germline): Uncertain significance (1 of 4 stars; one submission).

Conditions:
DICER1-related tumor predisposition. Also called: DICER1 syndrome; DICER1-related pleuropulmonary blastoma cancer predisposition syndrome. Identifiers: Orphanet 284343, MedGen C3839822, MONDO:0100216.

Submission:

Labcorp Genetics (formerly Invitae), Labcorp
Classification: Uncertain significance for DICER1-related tumor predisposition. Last evaluated: 2024-01-23. Review status: criteria provided, single submitter. Criteria: Invitae Variant Classification Sherloc (09022015). Collection method: clinical testing. Allele origin: germline.
Comment: This sequence change replaces serine, which is neutral and polar, with isoleucine, which is neutral and non-polar, at codon 571 of the DICER1 protein (p.Ser571Ile). This variant is not present in population databases (gnomAD no frequency). This variant has not been reported in the literature in individuals affected with DICER1-related conditions. ClinVar contains an entry for this variant (Variation ID: 1039503). Advanced modeling of protein sequence and biophysical properties (such as structural, functional, and spatial information, amino acid conservation, physicochemical variation, residue mobility, and thermodynamic stability) performed at Invitae indicates that this missense variant is not expected to disrupt DICER1 protein function with a negative predictive value of 80%. In summary, the available evidence is currently insufficient to determine the role of this variant in disease. Therefore, it has been classified as a Variant of Uncertain Significance.